The following is an entry in ClinVar:

NM_001206927.2(DNAH8):c.10060A>G (p.Ile3354Val)

Genes: DNAH8 (dynein axonemal heavy chain 8; plus strand), DNAH8-AS1 (DNAH8 antisense RNA 1; minus strand). Cytogenetic location: 6p21.2.
Variant type: single nucleotide variant.
Coding change: c.10060A>G on transcript NM_001206927.2 (MANE Select); coding-DNA position 10060, A replaced by G.
Protein change: p.Ile3354Val; replaces isoleucine 3354 with valine.
Molecular consequence: missense variant.
Genome position (GRCh38, 1-based): chr6:38,915,297, A>G. VCF-style: chr6-38915297-A-G. GRCh37 (hg19) VCF-style: chr6-38883073-A-G.
Other names: c.9409A>G, p.Ile3137Val (NM_001371.4); short protein forms I3137V, I3354V.
Identifiers: ClinVar variation 4760123 (VCV004760123.1).

ClinVar aggregate classification (germline): Uncertain significance (1 of 4 stars; one submission).

Conditions:
Primary ciliary dyskinesia. Also called: Ciliary dyskinesia. Identifiers: Orphanet 244, MedGen C0008780, MONDO:0016575, HP:0012265.

Submission:

Labcorp Genetics (formerly Invitae), Labcorp
Classification: Uncertain significance for Primary ciliary dyskinesia. Last evaluated: 2025-03-31. Review status: criteria provided, single submitter. Criteria: Invitae Variant Classification Sherloc (09022015). Collection method: clinical testing. Allele origin: germline.
Comment: This sequence change replaces isoleucine, which is neutral and non-polar, with valine, which is neutral and non-polar, at codon 3354 of the DNAH8 protein (p.Ile3354Val). This variant is not present in population databases (gnomAD no frequency). This variant has not been reported in the literature in individuals affected with DNAH8-related conditions. Invitae Evidence Modeling of protein sequence and biophysical properties (such as structural, functional, and spatial information, amino acid conservation, physicochemical variation, residue mobility, and thermodynamic stability) indicates that this missense variant is not expected to disrupt DNAH8 protein function with a negative predictive value of 80%. In summary, the available evidence is currently insufficient to determine the role of this variant in disease. Therefore, it has been classified as a Variant of Uncertain Significance.